The following is an entry in ClinVar:

ClinVar aggregate classification (germline): Conflicting classifications of pathogenicity. Review status: criteria provided, conflicting classifications (1 of 4 stars). 2 submissions from 2 submitters: Likely pathogenic (1); Uncertain significance (1). Last evaluated 2025-08-02.

Conditions:
Inborn genetic diseases. Identifiers: MedGen C0950123, MeSH D030342.

Allele frequency attached by ClinVar (database versions not stated): gnomAD exomes below 0.00001; gnomAD 0.00001.
gnomAD v4.1: 2 of 1,613,988 alleles (0.00012%); highest among the groups gnomAD compares: Admixed American, 0.0017%; no homozygotes.

Submissions (2):

GeneDx
Classification: Likely pathogenic. Last evaluated: 2025-08-02. Review status: criteria provided, single submitter. Criteria: GeneDx Variant Classification Process June 2021. Collection method: clinical testing. Allele origin: germline.
Comment: Not observed at significant frequency in large population cohorts (gnomAD); In silico analysis supports that this missense variant has a deleterious effect on protein structure/function; This variant is associated with the following publications: (PMID: 14581620, 22967285, 34921505, 31785789, 33057194, 35982159)

Ambry Genetics
Classification: Uncertain significance for Inborn genetic diseases. Last evaluated: 2017-05-09. Review status: criteria provided, single submitter. Criteria: Ambry exome assertion method (8-5-2015). Collection method: clinical testing. Allele origin: germline. Affected: yes. Observed: 1 variant allele.

Literature cited by the submitters: PubMed 14581620 (cited by Ambry Genetics); PubMed 22967285 (cited by Ambry Genetics); PubMed 20685856 (cited by Ambry Genetics); PubMed 15994174 (cited by Ambry Genetics).

NM_001374353.1(GLI2):c.1592C>T (p.Ser531Leu)

Gene: GLI2 (GLI family zinc finger 2; plus strand). Cytogenetic location: 2q14.2.
Variant type: single nucleotide variant.
Coding change: c.1592C>T on transcript NM_001374353.1 (MANE Select); coding-DNA position 1592, C replaced by T.
Protein change: p.Ser531Leu; replaces serine 531 with leucine.
Molecular consequence: missense variant.
Genome position (GRCh38, 1-based): chr2:120,982,840, C>T. VCF-style: chr2-120982840-C-T. GRCh37 (hg19) VCF-style: chr2-121740416-C-T.
Other names: c.1643C>T, p.Ser548Leu (NM_001371271.1, NM_005270.5); c.1217C>T, p.Ser406Leu (NM_001374354.1); short protein forms S548L, S406L, S531L.
Identifiers: ClinVar variation 521735 (VCV000521735.6), dbSNP rs1418648944, ClinGen allele CA348162416.